The following is an entry in ClinVar:

ClinVar aggregate classification (germline): Pathogenic/Likely pathogenic. Review status: criteria provided, multiple submitters, no conflicts (2 of 4 stars). 3 submissions from 3 submitters: Pathogenic (1); Likely pathogenic (2). Last evaluated 2025-08-06.

Conditions:
3-methylcrotonyl-CoA carboxylase 2 deficiency. Also called: METHYLCROTONYLGLYCINURIA, TYPE II; 3 alpha methylcrotonyl-CoA carboxylase 2 deficiency; 3 alpha methylcrotonylglycinuria 2; MCC 2 deficiency; Methylcrotonylglycinuria type 2. Identifiers: Orphanet 6, MedGen C1859499, MONDO:0008862, OMIM 210210.

Submissions (3):

Natera, Inc.
Classification: Likely pathogenic for 3-methylcrotonyl-CoA carboxylase 2 deficiency. Last evaluated: 2025-08-06. Review status: criteria provided, single submitter. Criteria: Natera Variant Classification Schema (03/2026). Collection method: clinical testing. Allele origin: germline.
Comment: The c.1184_1192delinsGCATTTGAAGAAA variant in MCCC2 is a frameshift variant predicted to shift the reading frame beginning at codon 395 and leads to a stop codon 3 codons downstream. This variant is expected to result in nonsense mediated decay, truncation, or a dysfunctional protein product. This variant is rare in the general population with a frequency below the threshold expected for the associated phenotype(s). Given the available evidence, this variant is classified as Likely Pathogenic.

Myriad Genetics, Inc.
Classification: Pathogenic for 3-methylcrotonyl-CoA carboxylase 2 deficiency. Last evaluated: 2025-05-22. Review status: criteria provided, single submitter. Criteria: Myriad Autosomal Dominant, Autosomal Recessive and X-Linked Classification Criteria (2023). Collection method: clinical testing. Allele origin: unknown.
Comment: NM_022132.4(MCCC2):c.1184_1192del9ins13(N395Sfs*3) is a frameshift variant classified as pathogenic in the context of 3-methylcrotonyl-CoA carboxylase deficiency, MCCC2-related. N395Sfs*3 has not been observed in cases with relevant disease. Relevant functional assessments of this variant are not available in the literature. N395Sfs*3 has not been observed in referenced population frequency databases. In summary, NM_022132.4(MCCC2):c.1184_1192del9ins13(N395Sfs*3) is a frameshift variant in a gene where loss of function is a known mechanism of disease and is predicted to disrupt protein function. Please note: this variant was assessed in the context of healthy population screening.

Fulgent Genetics
Classification: Likely pathogenic for 3-methylcrotonyl-CoA carboxylase 2 deficiency. Last evaluated: 2024-06-18. Review status: criteria provided, single submitter. Criteria: ACMG Guidelines, 2015. Collection method: clinical testing. Allele origin: germline.

NM_022132.5(MCCC2):c.1184_1192delinsGCATTTGAAGAAA (p.Asn395_Leu398delinsSerIleTer)

Gene: MCCC2 (methylcrotonyl-CoA carboxylase subunit 2; plus strand). Cytogenetic location: 5q13.2.
Variant type: Indel.
Coding change: c.1184_1192delinsGCATTTGAAGAAA on transcript NM_022132.5 (MANE Select); coding-DNA positions 1184 to 1192, ATATTCCTC replaced by GCATTTGAAGAAA.
Protein change: p.Asn395_Leu398delinsSerIleTer.
Molecular consequence: nonsense.
Genome position (GRCh38, 1-based): chr5:71,646,245-71,646,253, ATATTCCTC replaced by GCATTTGAAGAAA. VCF-style: chr5-71646245-ATATTCCTC-GCATTTGAAGAAA. GRCh37 (hg19) VCF-style: chr5-70942072-ATATTCCTC-GCATTTGAAGAAA.
Other names: c.1070_1078delinsGCATTTGAAGAAA, p.Asn357_Leu360delinsSerIleTer (NM_001363147.1); c.1184_1192delinsGCATTTGAAGAAA (NM_022132.4).
Identifiers: ClinVar variation 3592752 (VCV003592752.3).